The following is an entry in ClinVar:

NM_001170629.2(CHD8):c.353G>C (p.Gly118Ala)

Gene: CHD8 (chromodomain helicase DNA binding protein 8; minus strand). Cytogenetic location: 14q11.2.
Variant type: single nucleotide variant.
Coding change: c.353G>C on transcript NM_001170629.2 (MANE Select); coding-DNA position 353, G replaced by C.
Protein change: p.Gly118Ala; replaces glycine 118 with alanine.
Molecular consequence: missense variant. On other transcripts: intron variant (1).
Genome position (GRCh38, 1-based): chr14:21,431,291, C>G on the plus strand (G>C on the coding strand, the complement: CHD8 is on the minus strand). VCF-style: chr14-21431291-C-G. GRCh37 (hg19) VCF-style: chr14-21899450-C-G.
Other names: c.6+520G>C (NM_020920.4); short protein forms G118A.
Identifiers: ClinVar variation 4875001 (VCV004875001.2).

ClinVar aggregate classification (germline): Uncertain significance (1 of 4 stars; one submission).

Submission:

CeGaT Center for Human Genetics Tuebingen
Classification: Uncertain significance. Last evaluated: 2026-05-01. Review status: criteria provided, single submitter. Criteria: CeGaT Center For Human Genetics Tuebingen Variant Classification Criteria Version 2. Collection method: clinical testing. Allele origin: germline. Affected: yes. Observed: 1 variant allele.
Comment: CHD8: PM2, BP4